The following is an entry in ClinVar:

ClinVar aggregate classification (germline): Uncertain significance (1 of 4 stars; one submission).

Conditions:
Hereditary cancer-predisposing syndrome. Also called: Neoplastic Syndromes, Hereditary; Tumor predisposition; Hereditary neoplastic syndrome; Hereditary Cancer Syndrome. Identifiers: Orphanet 140162, MedGen C0027672, MeSH D009386, MONDO:0015356.
Cardiovascular phenotype. Identifiers: MedGen CN230736.

Submission:

Ambry Genetics
Classification: Uncertain significance for Cardiovascular phenotype; Hereditary cancer-predisposing syndrome. Last evaluated: 2023-03-24. Review status: criteria provided, single submitter. Criteria: Ambry Variant Classification Scheme 2023. Collection method: clinical testing. Allele origin: germline.
Comment: The p.G1647R variant (also known as c.4939G>C), located in coding exon 36 of the NF1 gene, results from a G to C substitution at nucleotide position 4939. The glycine at codon 1647 is replaced by arginine, an amino acid with dissimilar properties. This amino acid position is conserved. In addition, the in silico prediction for this alteration is inconclusive. Since supporting evidence is limited at this time, the clinical significance of this alteration remains unclear.

NM_001042492.3(NF1):c.5002G>C (p.Gly1668Arg)

Gene: NF1 (neurofibromin 1; plus strand). Cytogenetic location: 17q11.2.
Variant type: single nucleotide variant.
Coding change: c.5002G>C on transcript NM_001042492.3 (MANE Select); coding-DNA position 5002, G replaced by C.
Protein change: p.Gly1668Arg; replaces glycine 1668 with arginine.
Molecular consequence: missense variant.
Genome position (GRCh38, 1-based): chr17:31,325,986, G>C. VCF-style: chr17-31325986-G-C. GRCh37 (hg19) VCF-style: chr17-29653004-G-C.
Other names: c.4939G>C, p.Gly1647Arg (NM_000267.4); short protein forms G1647R, G1668R.
Identifiers: ClinVar variation 3237811 (VCV003237811.1), dbSNP rs2151538070.